The following is an entry in ClinVar:

NM_032444.4(SLX4):c.1394C>T (p.Pro465Leu)

Gene: SLX4 (SLX4 structure-specific endonuclease subunit; minus strand). Cytogenetic location: 16p13.3.
Variant type: single nucleotide variant.
Coding change: c.1394C>T on transcript NM_032444.4 (MANE Select); coding-DNA position 1394, C replaced by T.
Protein change: p.Pro465Leu; replaces proline 465 with leucine.
Molecular consequence: missense variant.
Genome position (GRCh38, 1-based): chr16:3,597,668, G>A on the plus strand (C>T on the coding strand, the complement: SLX4 is on the minus strand). VCF-style: chr16-3597668-G-A. GRCh37 (hg19) VCF-style: chr16-3647669-G-A.
Other names: c.1394C>T (LRG_503t1); short protein forms P465L.
Identifiers: ClinVar variation 407909 (VCV000407909.13), dbSNP rs372128800, ClinGen allele CA7866528.

ClinVar aggregate classification (germline): Uncertain significance. Review status: criteria provided, multiple submitters, no conflicts (2 of 4 stars). 5 submissions from 5 submitters: Uncertain significance (5). Last evaluated 2025-11-04.

Conditions:
Fanconi anemia complementation group P. Also called: SLX4-Related Fanconi Anemia. Identifiers: Orphanet 84, MedGen C3469542, MONDO:0013499, OMIM 613951.
Fanconi anemia (FA). Also called: Fanconi's anemia. Identifiers: Orphanet 84, MedGen C0015625, MeSH D005199, MONDO:0019391.

Allele frequency attached by ClinVar (database versions not stated): gnomAD exomes 0.00003 and 0.00009; ExAC 0.00007; gnomAD 0.00022 and 0.00024; ESP Exome Variant Server 0.00023; TOPMed 0.00026.
gnomAD v4.1: 82 of 1,613,776 alleles (0.0051%); highest among the groups gnomAD compares: African/African-American, 0.045%; no homozygotes.

Submissions (5):

Labcorp Genetics (formerly Invitae), Labcorp
Classification: Uncertain significance for Fanconi anemia. Last evaluated: 2025-11-04. Review status: criteria provided, single submitter. Criteria: Invitae Variant Classification Sherloc (09022015). Collection method: clinical testing. Allele origin: germline.
Comment: This sequence change replaces proline, which is neutral and non-polar, with leucine, which is neutral and non-polar, at codon 465 of the SLX4 protein (p.Pro465Leu). This variant is present in population databases (rs372128800, gnomAD 0.05%). This variant has not been reported in the literature in individuals affected with SLX4-related conditions. ClinVar contains an entry for this variant (Variation ID: 407909). An algorithm developed to predict the effect of missense changes on protein structure and function outputs the following: PolyPhen-2: "Benign". The leucine amino acid residue is found in multiple mammalian species, which suggests that this missense change does not adversely affect protein function. In summary, the available evidence is currently insufficient to determine the role of this variant in disease. Therefore, it has been classified as a Variant of Uncertain Significance.

GeneDx
Classification: Uncertain significance. Last evaluated: 2023-09-08. Review status: criteria provided, single submitter. Criteria: GeneDx Variant Classification Process June 2021. Collection method: clinical testing. Allele origin: germline. Affected: yes.
Comment: In silico analysis supports that this missense variant does not alter protein structure/function; Has not been previously published as pathogenic or benign to our knowledge

Sema4
Classification: Uncertain significance for Fanconi anemia. Last evaluated: 2021-11-30. Review status: criteria provided, single submitter. Criteria: Sema4 Curation Guidelines. Collection method: curation. Allele origin: germline.
Comment: To the best of our knowledge, the SLX4 c.1394C>T (p.P465L) variant has not been reported in individuals in SLX4-related cancers. This variant is reported in 13/24356 chromosomes in the African/African American population according to the Genome Aggregation Database (PMID: 32461654). This variant has been reported in ClinVar (Variation ID 407909). In silico tools suggest the impact of the variant on protein function is benign, though these predictions have not been confirmed by functional studies. The overall evidence is insufficient to meet ACMG/AMP criteria for classifying it as benign or pathogenic. In summary, the clinical significance of this variant is currently uncertain.

Genetic Services Laboratory, University of Chicago
Classification: Uncertain significance. Last evaluated: 2020-01-17. Review status: criteria provided, single submitter. Criteria: ACMG Guidelines, 2015. Collection method: clinical testing. Allele origin: germline. Affected: no.
Comment: DNA sequence analysis of the SLX4 gene demonstrated a sequence change, c.1394C>T, in exon 7 that results in an amino acid change, p.Pro465Leu. This sequence change does not appear to have been previously described in patients with SLX4-related disorders and has been described in the gnomAD database with a population frequency of 0.053% in African subpopulations (dbSNP rs372128800). The p.Pro465Leu change affects a moderately conserved amino acid residue located in a domain of the SLX4 protein that is not known to be functional. In-silico pathogenicity prediction tools (SIFT, PolyPhen2, Align GVGD, REVEL) provide contradictory results for the p.Pro465Leu substitution. Due to these contrasting evidences and the lack of functional studies, the clinical significance of the p.Pro465Leu change remains unknown at this time.

Fulgent Genetics
Classification: Uncertain significance for Fanconi anemia complementation group P. Last evaluated: 2018-10-31. Review status: criteria provided, single submitter. Criteria: ACMG Guidelines, 2015. Collection method: clinical testing. Allele origin: unknown.